The following is an entry in ClinVar:

ClinVar aggregate classification (germline): Uncertain significance. Review status: criteria provided, multiple submitters, no conflicts (2 of 4 stars). 2 submissions from 2 submitters: Uncertain significance (2). Last evaluated 2022-06-26.

Conditions:
Progressive sclerosing poliodystrophy (MTDPS4A). Also called: ALPERS PROGRESSIVE INFANTILE POLIODYSTROPHY; Alpers-Huttenlocher Syndrome (AHS); NEURONAL DEGENERATION OF CHILDHOOD WITH LIVER DISEASE, PROGRESSIVE; Mitochondrial DNA depletion syndrome 4A (Alpers type); Mitochondrial DNA Depletion Syndrome 4A; Alpers Syndrome. Identifiers: Orphanet 726, MedGen C0205710, MONDO:0008758, OMIM 203700.

Allele frequency attached by ClinVar (database versions not stated): gnomAD exomes below 0.00001.
gnomAD v4.1: 1 of 1,614,232 alleles (0.000062%); highest among the groups gnomAD compares: Non-Finnish European, 0.000085%; no homozygotes.

Submissions (2):

Labcorp Genetics (formerly Invitae), Labcorp
Classification: Uncertain significance for Progressive sclerosing poliodystrophy. Last evaluated: 2022-06-26. Review status: criteria provided, single submitter. Criteria: Invitae Variant Classification Sherloc (09022015). Collection method: clinical testing. Allele origin: germline.
Comment: In summary, the available evidence is currently insufficient to determine the role of this variant in disease. Therefore, it has been classified as a Variant of Uncertain Significance. Algorithms developed to predict the effect of missense changes on protein structure and function (SIFT, PolyPhen-2, Align-GVGD) all suggest that this variant is likely to be tolerated. This variant has not been reported in the literature in individuals affected with POLG-related conditions. This variant is not present in population databases (gnomAD no frequency). This sequence change replaces serine, which is neutral and polar, with threonine, which is neutral and polar, at codon 511 of the POLG protein (p.Ser511Thr).

GeneDx
Classification: Uncertain significance. Last evaluated: 2022-03-11. Review status: criteria provided, single submitter. Criteria: GeneDx Variant Classification Process June 2021. Collection method: clinical testing. Allele origin: germline. Affected: yes.
Comment: Not observed at significant frequency in large population cohorts (gnomAD); In silico analysis supports that this missense variant does not alter protein structure/function; Has not been previously published as pathogenic or benign to our knowledge

NM_002693.3(POLG):c.1532G>C (p.Ser511Thr)

Gene: POLG (DNA polymerase gamma, catalytic subunit; minus strand). Cytogenetic location: 15q26.1.
Variant type: single nucleotide variant.
Coding change: c.1532G>C on transcript NM_002693.3 (MANE Select); coding-DNA position 1532, G replaced by C.
Protein change: p.Ser511Thr; replaces serine 511 with threonine.
Molecular consequence: missense variant.
Genome position (GRCh38, 1-based): chr15:89,326,965, C>G on the plus strand (G>C on the coding strand, the complement: POLG is on the minus strand). VCF-style: chr15-89326965-C-G. GRCh37 (hg19) VCF-style: chr15-89870196-C-G.
Other names: c.1532G>C, p.Ser511Thr (NM_001126131.2); short protein forms S511T.
Identifiers: ClinVar variation 1704867 (VCV001704867.7), dbSNP rs121918055, ClinGen allele CA393760807.